The following is an entry in ClinVar:

NM_001037.5(SCN1B):c.448+67A>G

Gene: SCN1B (sodium voltage-gated channel beta subunit 1; plus strand). Cytogenetic location: 19q13.11.
Variant type: single nucleotide variant.
Coding change: c.448+67A>G on transcript NM_001037.5 (MANE Select); 67 bases into the intron after coding-DNA position 448, A replaced by G.
Molecular consequence: intron variant. On other transcripts: missense variant (1).
Genome position (GRCh38, 1-based): chr19:35,033,806, A>G. VCF-style: chr19-35033806-A-G. GRCh37 (hg19) VCF-style: chr19-35524710-A-G.
Other names: c.515A>G, p.Gln172Arg (NM_199037.5); c.349+67A>G (NM_001321605.2); short protein forms Q172R.
Identifiers: ClinVar variation 2130741 (VCV002130741.4), dbSNP rs763738078, ClinGen allele CA9372026.

ClinVar aggregate classification (germline): Uncertain significance (1 of 4 stars; one submission).

Conditions:
Brugada syndrome 5 (BRGDA5). Identifiers: Orphanet 130, Orphanet 871, MedGen C2748541, MONDO:0013015, OMIM 612838.

Allele frequency attached by ClinVar (database versions not stated): gnomAD exomes below 0.00001; ExAC 0.00001.
gnomAD v4.1: 1 of 1,613,398 alleles (0.000062%); highest among the groups gnomAD compares: South Asian, 0.0011%; no homozygotes.

Submission:

Labcorp Genetics (formerly Invitae), Labcorp
Classification: Uncertain significance for Brugada syndrome 5. Last evaluated: 2022-04-25. Review status: criteria provided, single submitter. Criteria: Invitae Variant Classification Sherloc (09022015). Collection method: clinical testing. Allele origin: germline.
Comment: In summary, the available evidence is currently insufficient to determine the role of this variant in disease. Therefore, it has been classified as a Variant of Uncertain Significance. Algorithms developed to predict the effect of missense changes on protein structure and function output the following: SIFT: "Deleterious"; PolyPhen-2: "Benign"; Align-GVGD: "Class C0". The arginine amino acid residue is found in multiple mammalian species, which suggests that this missense change does not adversely affect protein function. This variant has not been reported in the literature in individuals affected with SCN1B-related conditions. This variant is present in population databases (rs763738078, gnomAD 0.003%). This sequence change replaces glutamine, which is neutral and polar, with arginine, which is basic and polar, at codon 172 of the SCN1B protein (p.Gln172Arg).